The following is an entry in ClinVar:

NM_003995.4(NPR2):c.2923C>G (p.Pro975Ala)

Genes: NPR2 (natriuretic peptide receptor 2; plus strand), SPAG8 (sperm associated antigen 8; minus strand). Cytogenetic location: 9p13.3.
Variant type: single nucleotide variant.
Coding change: c.2923C>G on transcript NM_003995.4 (MANE Select); coding-DNA position 2923, C replaced by G.
Protein change: p.Pro975Ala; replaces proline 975 with alanine.
Molecular consequence: missense variant. On other transcripts: intron variant (2).
Genome position (GRCh38, 1-based): chr9:35,808,790, C>G. VCF-style: chr9-35808790-C-G. GRCh37 (hg19) VCF-style: chr9-35808787-C-G.
Other names: c.2932C>G, p.Pro978Ala (NM_001378923.1); c.1201-484G>C (NM_001366760.2); c.1373-484G>C (NM_172312.2); short protein forms P975A, P978A.
Identifiers: ClinVar variation 4885099 (VCV004885099.2).

ClinVar aggregate classification (germline): Uncertain significance (1 of 4 stars; one submission).

Submission:

Dasa
Classification: Uncertain significance. Last evaluated: 2025-08-17. Review status: criteria provided, single submitter. Criteria: DASA Assertion Criteria. Collection method: clinical testing. Allele origin: germline.
Comment: NM_003995.4(NPR2):c.2923C>G (p.Pro975Ala) is a missense variant that results in the substitution of proline with alanine. This variant is absent from population databases. Computational prediction algorithms are consistent with a deleterious effect. The currently available literature and clinical evidence are not sufficient to establish a definitive association between this variant and the reported condition. Therefore, this variant is classified as a variant of uncertain significance.